The following is an entry in ClinVar:

NM_000044.6(AR):c.1616+3A>C

Gene: AR (androgen receptor; plus strand). Cytogenetic location: Xq12.
Variant type: single nucleotide variant.
Coding change: c.1616+3A>C on transcript NM_000044.6 (MANE Select); 3 bases into the intron after coding-DNA position 1616, A replaced by C.
Molecular consequence: intron variant.
Genome position (GRCh38, 1-based): chrX:67,546,765, A>C. VCF-style: chrX-67546765-A-C. GRCh37 (hg19) VCF-style: chrX-66766607-A-C.
Other names: c.-168+3A>C (NM_001011645.3); c.1616+3A>C (NM_001348061.1, NM_001348064.1, NM_001348063.1).
Identifiers: ClinVar variation 373772 (VCV000373772.2), dbSNP rs1057518601, ClinGen allele CA16043282.

ClinVar aggregate classification (germline): Uncertain significance (1 of 4 stars; one submission).

Submission:

GeneDx
Classification: Uncertain significance. Last evaluated: 2016-12-01. Review status: criteria provided, single submitter. Criteria: GeneDx Variant Classification (06012015). Collection method: clinical testing. Allele origin: germline. Affected: yes.
Comment: The c.1616+3 A>C variant has not been published as a pathogenic variant, nor has it been reported as a benign variant to our knowledge. The c.1616+3 A>C variant was not observed in approximately 6500 individuals of European and African American ancestry in the NHLBI Exome Sequencing Project, indicating it is not a common benign variant in these populations. Several in-silico splice prediction models predict that c.1616+3 A>C creates a cryptic donor site which may supplant the natural donor site and lead to abnormal gene splicing. However, in the absence of RNA/functional studies, the actual effect of this sequence change in this individual is unknown. Therefore, based on the currently available information, it is unclear whether this variant is a pathogenic variant or a rare benign variant.